The following is an entry in ClinVar:

ClinVar aggregate classification (germline): Uncertain significance (1 of 4 stars; one submission).

Conditions:
Inborn genetic diseases. Identifiers: MedGen C0950123, MeSH D030342.

gnomAD v4.1: 3 of 1,590,968 alleles (0.00019%); highest among the groups gnomAD compares: African/African-American, 0.0014%; no homozygotes.

Submission:

Ambry Genetics
Classification: Uncertain significance for Inborn genetic diseases. Last evaluated: 2025-03-30. Review status: criteria provided, single submitter. Criteria: Ambry Variant Classification Scheme 2023. Collection method: clinical testing. Allele origin: germline.
Comment: The p.I931V variant (also known as c.2791A>G), located in coding exon 24 of the ANKRD26 gene, results from an A to G substitution at nucleotide position 2791. The isoleucine at codon 931 is replaced by valine, an amino acid with highly similar properties. This amino acid position is conserved. In addition, this alteration is predicted to be tolerated by in silico analysis. Based on the available evidence, the clinical significance of this variant remains unclear.

NM_014915.3(ANKRD26):c.2791A>G (p.Ile931Val)

Gene: ANKRD26 (ankyrin repeat domain containing 26; minus strand). Cytogenetic location: 10p12.1.
Variant type: single nucleotide variant.
Coding change: c.2791A>G on transcript NM_014915.3 (MANE Select); coding-DNA position 2791, A replaced by G.
Protein change: p.Ile931Val; replaces isoleucine 931 with valine.
Molecular consequence: missense variant.
Genome position (GRCh38, 1-based): chr10:27,035,659, T>C on the plus strand (A>G on the coding strand, the complement: ANKRD26 is on the minus strand). VCF-style: chr10-27035659-T-C. GRCh37 (hg19) VCF-style: chr10-27324588-T-C.
Other names: c.2788A>G, p.Ile930Val (NM_001256053.2); short protein forms I930V, I931V.
Identifiers: ClinVar variation 3913425 (VCV003913425.1).